The following is an entry in ClinVar:

NM_020987.5(ANK3):c.1844T>G (p.Leu615Arg)

Gene: ANK3 (ankyrin 3; minus strand). Cytogenetic location: 10q21.2.
Variant type: single nucleotide variant.
Coding change: c.1844T>G on transcript NM_020987.5 (MANE Select); coding-DNA position 1844, T replaced by G.
Protein change: p.Leu615Arg; replaces leucine 615 with arginine.
Molecular consequence: missense variant.
Genome position (GRCh38, 1-based): chr10:60,196,188, A>C on the plus strand (T>G on the coding strand, the complement: ANK3 is on the minus strand). VCF-style: chr10-60196188-A-C. GRCh37 (hg19) VCF-style: chr10-61955946-A-C.
Other names: c.1826T>G, p.Leu609Arg (NM_001204403.2); c.1793T>G, p.Leu598Arg (NM_001204404.2); c.1844T>G, p.Leu615Arg (NM_001320874.2); short protein forms L598R, L609R, L615R.
Identifiers: ClinVar variation 3672340 (VCV003672340.2).
Genomic context (GRCh38, chr10:60,196,188, plus strand): 5'-TGTGGAATTATAGGTACCTTTGCGGCTGCGTGAGGTGAGGCTCCTTGGTCCAAAAGCAGA[A>C]GGGCCACTTTCTGATTATCGTAATGTGCAGCTACATGCAGTGGTGTTAGCCCGCTCTGAA-3'
Protein context (NP_066267.2, residues 605-625): AAHYDNQKVA[Leu615Arg]LLLDQGASPH

ClinVar aggregate classification (germline): Uncertain significance (1 of 4 stars; one submission).

Submission:

Labcorp Genetics (formerly Invitae), Labcorp
Classification: Uncertain significance. Last evaluated: 2024-03-13. Review status: criteria provided, single submitter. Criteria: Invitae Variant Classification Sherloc (09022015). Collection method: clinical testing. Allele origin: germline.
Comment: This sequence change replaces leucine, which is neutral and non-polar, with arginine, which is basic and polar, at codon 615 of the ANK3 protein (p.Leu615Arg). This variant is not present in population databases (gnomAD no frequency). This variant has not been reported in the literature in individuals affected with ANK3-related conditions. Advanced modeling of protein sequence and biophysical properties (such as structural, functional, and spatial information, amino acid conservation, physicochemical variation, residue mobility, and thermodynamic stability) performed at Invitae indicates that this missense variant is not expected to disrupt ANK3 protein function with a negative predictive value of 80%. In summary, the available evidence is currently insufficient to determine the role of this variant in disease. Therefore, it has been classified as a Variant of Uncertain Significance.